The following is an entry in ClinVar:

NM_199420.4(POLQ):c.5215C>A (p.Pro1739Thr)

Gene: POLQ (DNA polymerase theta; minus strand). Cytogenetic location: 3q13.33.
Variant type: single nucleotide variant.
Coding change: c.5215C>A on transcript NM_199420.4 (MANE Select); coding-DNA position 5215, C replaced by A.
Protein change: p.Pro1739Thr; replaces proline 1739 with threonine.
Molecular consequence: missense variant.
Genome position (GRCh38, 1-based): chr3:121,487,716, G>T on the plus strand (C>A on the coding strand, the complement: POLQ is on the minus strand). VCF-style: chr3-121487716-G-T. GRCh37 (hg19) VCF-style: chr3-121206563-G-T.
Other names: short protein forms P1739T.
Identifiers: ClinVar variation 3230047 (VCV003230047.1), dbSNP rs1287054646, ClinGen allele CA354090900.

ClinVar aggregate classification (germline): Uncertain significance (1 of 4 stars; one submission).

Allele frequency attached by ClinVar (database versions not stated): gnomAD exomes below 0.00001.
gnomAD v4.1: 4 of 1,613,860 alleles (0.00025%); highest among the groups gnomAD compares: Admixed American, 0.0017%; no homozygotes.

Submission:

Ambry Genetics
Classification: Uncertain significance. Last evaluated: 2023-10-08. Review status: criteria provided, single submitter. Criteria: Ambry Variant Classification Scheme 2023. Collection method: clinical testing. Allele origin: germline.
Comment: The p.P1739T variant (also known as c.5215C>A), located in coding exon 16 of the POLQ gene, results from a C to A substitution at nucleotide position 5215. The proline at codon 1739 is replaced by threonine, an amino acid with highly similar properties. This amino acid position is conserved. In addition, this alteration is predicted to be tolerated by in silico analysis. Since supporting evidence is limited at this time, the clinical significance of this alteration remains unclear.